The following is an entry in ClinVar:

ClinVar aggregate classification (germline): Uncertain significance (1 of 4 stars; one submission).

Conditions:
Amyotrophic lateral sclerosis type 21. Also called: MYOPATHY, DISTAL, 2; VOCAL CORD AND PHARYNGEAL DYSFUNCTION WITH DISTAL MYOPATHY. Identifiers: Orphanet 600, Orphanet 803, MedGen C3807521, MONDO:0011632, OMIM 606070.

gnomAD v4.1: 35 of 1,614,030 alleles (0.0022%); highest among the groups gnomAD compares: Non-Finnish European, 0.000085%; no homozygotes.

Submission:

Labcorp Genetics (formerly Invitae), Labcorp
Classification: Uncertain significance for Amyotrophic lateral sclerosis type 21. Last evaluated: 2025-07-01. Review status: criteria provided, single submitter. Criteria: Invitae Variant Classification Sherloc (09022015). Collection method: clinical testing. Allele origin: germline.
Comment: This sequence change replaces aspartic acid, which is acidic and polar, with glutamic acid, which is acidic and polar, at codon 753 of the MATR3 protein (p.Asp753Glu). This variant is present in population databases (rs754953289, gnomAD 0.06%), and has an allele count higher than expected for a pathogenic variant. This variant has not been reported in the literature in individuals affected with MATR3-related conditions. Invitae Evidence Modeling of protein sequence and biophysical properties (such as structural, functional, and spatial information, amino acid conservation, physicochemical variation, residue mobility, and thermodynamic stability) indicates that this missense variant is not expected to disrupt MATR3 protein function with a negative predictive value of 80%. In summary, the available evidence is currently insufficient to determine the role of this variant in disease. Therefore, it has been classified as a Variant of Uncertain Significance.

NM_018834.6(MATR3):c.2259T>A (p.Asp753Glu)

Gene: MATR3 (matrin 3; plus strand). Cytogenetic location: 5q31.2.
Variant type: single nucleotide variant.
Coding change: c.2259T>A on transcript NM_018834.6 (MANE Select); coding-DNA position 2259, T replaced by A.
Protein change: p.Asp753Glu; replaces aspartic acid 753 with glutamic acid.
Molecular consequence: missense variant.
Genome position (GRCh38, 1-based): chr5:139,325,550, T>A. VCF-style: chr5-139325550-T-A. GRCh37 (hg19) VCF-style: chr5-138661239-T-A.
Other names: c.2259T>A, p.Asp753Glu (NM_001194954.2, NM_001194955.2, NM_001400447.1 and 11 more transcripts); c.1395T>A, p.Asp465Glu (NM_001194956.2); c.1245T>A, p.Asp415Glu (NM_001282278.2, NM_001400462.1, NM_001400463.1 and 4 more transcripts); c.2403T>A, p.Asp801Glu (NM_001400441.1, NM_001400442.1, NM_001400443.1 and 2 more transcripts); c.1398T>A, p.Asp466Glu (NM_001400459.1); c.1389T>A, p.Asp463Glu (NM_001400460.1); c.1359T>A, p.Asp453Glu (NM_001400461.1); short protein forms D415E, D463E, D466E, D465E, D753E, D801E, D453E.
Identifiers: ClinVar variation 4742785 (VCV004742785.1).